The following is an entry in ClinVar:

ClinVar aggregate classification (germline): Uncertain significance (1 of 4 stars; one submission).

Conditions:
Pitt-Hopkins-like syndrome 2 (PTHSL2). Identifiers: Orphanet 221150, Orphanet 600663, MedGen C3280479, MONDO:0013690, OMIM 614325.

Allele frequency attached by ClinVar (database versions not stated): TOPMed below 0.00001; ExAC 0.00001; gnomAD exomes 0.00001; gnomAD 0.00002.

Submission:

Labcorp Genetics (formerly Invitae), Labcorp
Classification: Uncertain significance for Pitt-Hopkins-like syndrome 2. Last evaluated: 2024-10-24. Review status: criteria provided, single submitter. Criteria: Invitae Variant Classification Sherloc (09022015). Collection method: clinical testing. Allele origin: germline.
Comment: This sequence change replaces arginine, which is basic and polar, with histidine, which is basic and polar, at codon 1286 of the NRXN1 protein (p.Arg1286His). The frequency data for this variant in the population databases is considered unreliable, as metrics indicate poor data quality at this position in the gnomAD database. This variant has not been reported in the literature in individuals affected with NRXN1-related conditions. ClinVar contains an entry for this variant (Variation ID: 1522966). An algorithm developed to predict the effect of missense changes on protein structure and function (PolyPhen-2) suggests that this variant is likely to be disruptive. In summary, the available evidence is currently insufficient to determine the role of this variant in disease. Therefore, it has been classified as a Variant of Uncertain Significance.

NM_001330078.2(NRXN1):c.3737G>A (p.Arg1246His)

Gene: NRXN1 (neurexin 1; minus strand). Cytogenetic location: 2p16.3.
Variant type: single nucleotide variant.
Coding change: c.3737G>A on transcript NM_001330078.2 (MANE Select); coding-DNA position 3737, G replaced by A.
Protein change: p.Arg1246His; replaces arginine 1246 with histidine.
Molecular consequence: missense variant. On other transcripts: intron variant (8).
Genome position (GRCh38, 1-based): chr2:50,055,026, C>T on the plus strand (G>A on the coding strand, the complement: NRXN1 is on the minus strand). VCF-style: chr2-50055026-C-T. GRCh37 (hg19) VCF-style: chr2-50282164-C-T.
Other names: c.3857G>A, p.Arg1286His (NM_001135659.3); c.3713G>A, p.Arg1238His (NM_001330077.2, NM_001330082.2); c.3671G>A, p.Arg1224His (NM_001330084.2); c.3710G>A, p.Arg1237His (NM_001330085.2); c.3737G>A, p.Arg1246His (NM_001330086.2); c.632G>A, p.Arg211His (NM_001330091.2, NM_001330092.2); c.3734G>A, p.Arg1245His (NM_001330093.2); c.3725G>A, p.Arg1242His (NM_001330094.2); and 6 more; short protein forms R1224H, R1238H, R1246H, R211H, R1237H, R1242H, R1245H, R1286H.
Identifiers: ClinVar variation 1522966 (VCV001522966.6), dbSNP rs754724604, ClinGen allele CA1654367.